The following is an entry in ClinVar:

NM_003200.5(TCF3):c.1379A>G (p.His460Arg)

Gene: TCF3 (transcription factor 3; minus strand). Cytogenetic location: 19p13.3.
Variant type: single nucleotide variant.
Coding change: c.1379A>G on transcript NM_003200.5 (MANE Select); coding-DNA position 1379, A replaced by G.
Protein change: p.His460Arg; replaces histidine 460 with arginine.
Molecular consequence: missense variant.
Genome position (GRCh38, 1-based): chr19:1,619,182, T>C on the plus strand (A>G on the coding strand, the complement: TCF3 is on the minus strand). VCF-style: chr19-1619182-T-C. GRCh37 (hg19) VCF-style: chr19-1619181-T-C.
Other names: c.1379A>G, p.His460Arg (NM_001136139.4, NM_001351779.2); c.1376A>G, p.His459Arg (NM_001351778.2); short protein forms H459R, H460R.
Identifiers: ClinVar variation 2868448 (VCV002868448.3), dbSNP rs775736166, ClinGen allele CA9049880.
Genomic context (GRCh38, chr19:1,619,182, plus strand): 5'-TCGGGAGGCCGAGACAGGTCAGGGAGGGTGCCTGGCTGGCTGGGGAGGGCCGCGTGGTTG[T>C]GCATGAGGCTGGTGCTGCCTGCGAGGCCGTCCTCGGGGTGGCTGCCTCCAACCTGCAGGC-3'
Protein context (NP_003191.1, residues 450-470): DGLAGSTSLM[His460Arg]NHAALPSQPG

ClinVar aggregate classification (germline): Uncertain significance (1 of 4 stars; one submission).

Allele frequency attached by ClinVar (database versions not stated): gnomAD 0.00001; ExAC 0.00012.
gnomAD v4.1: 30 of 1,600,318 alleles (0.0019%); highest among the groups gnomAD compares: Non-Finnish European, 0.0022%; no homozygotes.

Submission:

Labcorp Genetics (formerly Invitae), Labcorp
Classification: Uncertain significance. Last evaluated: 2023-11-03. Review status: criteria provided, single submitter. Criteria: Invitae Variant Classification Sherloc (09022015). Collection method: clinical testing. Allele origin: germline.
Comment: This sequence change replaces histidine, which is basic and polar, with arginine, which is basic and polar, at codon 460 of the TCF3 protein (p.His460Arg). This variant is present in population databases (rs775736166, gnomAD 0.01%). This variant has not been reported in the literature in individuals affected with TCF3-related conditions. Advanced modeling of protein sequence and biophysical properties (such as structural, functional, and spatial information, amino acid conservation, physicochemical variation, residue mobility, and thermodynamic stability) performed at Invitae indicates that this missense variant is not expected to disrupt TCF3 protein function with a negative predictive value of 80%. In summary, the available evidence is currently insufficient to determine the role of this variant in disease. Therefore, it has been classified as a Variant of Uncertain Significance.